The following is an entry in ClinVar:

NM_021831.6(AGBL5):c.2152C>G (p.Leu718Val)

Gene: AGBL5 (AGBL carboxypeptidase 5; plus strand). Cytogenetic location: 2p23.3.
Variant type: single nucleotide variant.
Coding change: c.2152C>G on transcript NM_021831.6 (MANE Select); coding-DNA position 2152, C replaced by G.
Protein change: p.Leu718Val; replaces leucine 718 with valine.
Molecular consequence: missense variant. On other transcripts: non-coding transcript variant (2).
Genome position (GRCh38, 1-based): chr2:27,067,556, C>G. VCF-style: chr2-27067556-C-G. GRCh37 (hg19) VCF-style: chr2-27290424-C-G.
Other names: short protein forms L718V.
Identifiers: ClinVar variation 1491478 (VCV001491478.6), dbSNP rs2148303461, ClinGen allele CA346140794.

ClinVar aggregate classification (germline): Uncertain significance (1 of 4 stars; one submission).

Submission:

Labcorp Genetics (formerly Invitae), Labcorp
Classification: Uncertain significance. Last evaluated: 2021-09-18. Review status: criteria provided, single submitter. Criteria: Invitae Variant Classification Sherloc (09022015). Collection method: clinical testing. Allele origin: germline.
Comment: Algorithms developed to predict the effect of missense changes on protein structure and function (SIFT, PolyPhen-2, Align-GVGD) all suggest that this variant is likely to be tolerated. In summary, the available evidence is currently insufficient to determine the role of this variant in disease. Therefore, it has been classified as a Variant of Uncertain Significance. This variant has not been reported in the literature in individuals affected with AGBL5-related conditions. This variant is not present in population databases (ExAC no frequency). This sequence change replaces leucine with valine at codon 718 of the AGBL5 protein (p.Leu718Val). The leucine residue is highly conserved and there is a small physicochemical difference between leucine and valine.